The following is an entry in ClinVar:

ClinVar aggregate classification (germline): Uncertain significance (1 of 4 stars; one submission).

Conditions:
Inborn genetic diseases. Identifiers: MedGen C0950123, MeSH D030342.

gnomAD v4.1: 3 of 1,613,660 alleles (0.00019%); highest among the groups gnomAD compares: Non-Finnish European, 0.00025%; no homozygotes.

Submission:

Ambry Genetics
Classification: Uncertain significance for Inborn genetic diseases. Last evaluated: 2025-07-18. Review status: criteria provided, single submitter. Criteria: Ambry Variant Classification Scheme 2023. Collection method: clinical testing. Allele origin: germline.
Comment: The c.1622-5C>A intronic variant results from a C to A substitution 5 nucleotides upstream from coding exon 16 in the DDX41 gene. This nucleotide position is not well conserved in available vertebrate species. In silico splice site analysis predicts that this alteration will not have any significant effect on splicing. Based on the available evidence, the clinical significance of this variant remains unclear.

NM_016222.4(DDX41):c.1622-5C>A

Gene: DDX41 (DEAD-box helicase 41; minus strand). Cytogenetic location: 5q35.3.
Variant type: single nucleotide variant.
Coding change: c.1622-5C>A on transcript NM_016222.4 (MANE Select); 5 bases into the intron before coding-DNA position 1622, C replaced by A.
Molecular consequence: intron variant.
Genome position (GRCh38, 1-based): chr5:177,512,211, G>T on the plus strand (C>A on the coding strand, the complement: DDX41 is on the minus strand). VCF-style: chr5-177512211-G-T. GRCh37 (hg19) VCF-style: chr5-176939212-G-T.
Other names: c.1244-5C>A (NM_001321830.2, NM_001321732.2).
Identifiers: ClinVar variation 4238746 (VCV004238746.1).